The following is an entry in ClinVar:

ClinVar aggregate classification (germline): Pathogenic (1 of 4 stars; one submission).

Conditions:
Gorlin syndrome. Also called: Basal cell nevus syndrome; Nevoid Basal Cell Carcinoma Syndrome. Identifiers: Orphanet 377, MedGen C0004779, MONDO:0007187.

Submission:

Labcorp Genetics (formerly Invitae), Labcorp
Classification: Pathogenic for Gorlin syndrome. Last evaluated: 2018-12-30. Review status: criteria provided, single submitter. Criteria: Invitae Variant Classification Sherloc (09022015). Collection method: clinical testing. Allele origin: germline.
Comment: This sequence change creates a premature translational stop signal (p.Asn324Aspfs*16) in the PTCH1 gene. It is expected to result in an absent or disrupted protein product. This variant is not present in population databases (ExAC no frequency). This variant has not been reported in the literature in individuals with PTCH1-related conditions. Loss-of-function variants in PTCH1 are known to be pathogenic (PMID: 16301862, 16419085). For these reasons, this variant has been classified as Pathogenic.

NM_000264.5(PTCH1):c.970_976del (p.Asn324fs)

Gene: PTCH1 (patched 1; minus strand). Cytogenetic location: 9q22.32.
Variant type: Deletion.
Coding change: c.970_976del on transcript NM_000264.5 (MANE Select); coding-DNA positions 970 to 976, 7 bases deleted (AATGGTG; older notation c.970_976delAATGGTG).
Protein change: p.Asn324fs; shifts the reading frame from asparagine 324.
Molecular consequence: frameshift variant. On other transcripts: non-coding transcript variant (1).
Genome position (GRCh38, 1-based): chr9:95,480,060-95,480,066, CACCATT deleted on the plus strand (AATGGTG on the coding strand, the reverse complement: PTCH1 is on the minus strand); deleting any 7 consecutive bases within chr9:95,480,060-95,480,068 gives the same sequence; the c. name uses the placement nearest the transcript's 3' end. VCF-style (leftmost placement, unchanged base first): chr9-95480059-CCACCATT-C. GRCh37 (hg19) VCF-style: chr9-98242341-CCACCATT-C.
Other names: c.772_778del, p.Asn258fs (NM_001083602.3); c.967_973del, p.Asn323fs (NM_001083603.3); c.517_523del, p.Asn173fs (NM_001083604.3, NM_001083605.3, NM_001083606.3 and 1 more transcripts); c.970_976del, p.Asn324fs (NM_001354918.2); short protein forms N323fs, N324fs, N258fs, N173fs.
Identifiers: ClinVar variation 644877 (VCV000644877.1), dbSNP rs1588608715, ClinGen allele CA915947073.